The following is an entry in ClinVar:

ClinVar aggregate classification (germline): Uncertain significance. Review status: criteria provided, multiple submitters, no conflicts (2 of 4 stars). 2 submissions from 2 submitters: Uncertain significance (2). Last evaluated 2024-02-24.

Conditions:
AP3D1-related disorder. Also called: AP3D1-related condition.

Allele frequency attached by ClinVar (database versions not stated): gnomAD exomes below 0.00001.
gnomAD v4.1: 2 of 1,584,430 alleles (0.00013%); highest among the groups gnomAD compares: South Asian, 0.0023%; no homozygotes.

Submissions (2):

Labcorp Genetics (formerly Invitae), Labcorp
Classification: Uncertain significance. Last evaluated: 2024-02-24. Review status: criteria provided, single submitter. Criteria: Invitae Variant Classification Sherloc (09022015). Collection method: clinical testing. Allele origin: germline.
Comment: This sequence change replaces glutamine, which is neutral and polar, with arginine, which is basic and polar, at codon 1174 of the AP3D1 protein (p.Gln1174Arg). The frequency data for this variant in the population databases is considered unreliable, as metrics indicate poor data quality at this position in the gnomAD database. This variant has not been reported in the literature in individuals affected with AP3D1-related conditions. ClinVar contains an entry for this variant (Variation ID: 2070318). An algorithm developed to predict the effect of missense changes on protein structure and function (PolyPhen-2) suggests that this variant is likely to be tolerated. In summary, the available evidence is currently insufficient to determine the role of this variant in disease. Therefore, it has been classified as a Variant of Uncertain Significance.

PreventionGenetics, part of Exact Sciences
Classification: Uncertain significance for AP3D1-related condition. Last evaluated: 2023-03-14. Review status: criteria provided, single submitter. Criteria: ACMG Guidelines, 2015. Collection method: clinical testing. Allele origin: germline.
Comment: The AP3D1 c.3521A>G variant is predicted to result in the amino acid substitution p.Gln1174Arg. To our knowledge, this variant has not been reported in the literature. This variant is reported in 0.0040% of alleles in individuals of South Asian descent in gnomAD. At this time, the clinical significance of this variant is uncertain due to the absence of conclusive functional and genetic evidence.

NM_001261826.3(AP3D1):c.3521A>G (p.Gln1174Arg)

Gene: AP3D1 (adaptor related protein complex 3 subunit delta 1; minus strand). Cytogenetic location: 19p13.3.
Variant type: single nucleotide variant.
Coding change: c.3521A>G on transcript NM_001261826.3 (MANE Select); coding-DNA position 3521, A replaced by G.
Protein change: p.Gln1174Arg; replaces glutamine 1174 with arginine.
Molecular consequence: missense variant.
Genome position (GRCh38, 1-based): chr19:2,108,718, T>C on the plus strand (A>G on the coding strand, the complement: AP3D1 is on the minus strand). VCF-style: chr19-2108718-T-C. GRCh37 (hg19) VCF-style: chr19-2108717-T-C.
Other names: c.3485A>G, p.Gln1162Arg (NM_001374799.1); c.3335A>G, p.Gln1112Arg (NM_003938.8); c.3521A>G (NM_001261826.1); short protein forms Q1112R, Q1174R, Q1162R.
Identifiers: ClinVar variation 2070318 (VCV002070318.5), dbSNP rs1274534352, ClinGen allele CA403199539.
Genomic context (GRCh38, chr19:2,108,718, plus strand): 5'-CAGGGTGTGCACAGCAGCCCGAGGCTCACCTTTTTCACCAGGAGGCAGACATGGTGGCCC[T>C]GGATGGAGCGGCTGTACATGGAGGCGCAGGAGTCCACTCGCTCCACAACTGCAACAGAGC-3'
Protein context (NP_001248755.1, residues 1164-1184): SCASMYSRSI[Gln1174Arg]GHHVCLLVKK